The following is an entry in ClinVar:

ClinVar aggregate classification (germline): Likely pathogenic (1 of 4 stars; one submission).

Conditions:
Intellectual disability-facial dysmorphism syndrome due to SETD5 haploinsufficiency (MRD23). Also called: Intellectual developmental disorder, autosomal dominant 23. Identifiers: Orphanet 404440, MedGen C3810406, MONDO:0014336, OMIM 615761.

Submission:

Variantyx, Inc.
Classification: Likely pathogenic for Intellectual disability-facial dysmorphism syndrome due to SETD5 haploinsufficiency. Last evaluated: 2025-05-30. Review status: criteria provided, single submitter. Criteria: Variantyx Assertion Criteria 2022. Collection method: clinical testing. Allele origin: germline. Inheritance: Autosomal dominant inheritance. Affected: yes.
Comment: This is a frameshift variant in the SETD5 gene (OMIM: 615743). Pathogenic variants in this gene have been associated with autosomal dominant intellectual developmental disorder 23. This variant introduces a premature termination codon in exon 16 out of 23 and is expected to result in loss of function, which is a known disease mechanism for SETD5 in this disorder (PMID: 24768552, 22903836) (PVS1). This variant is absent from control populations (PM2). Based on the current evidence, this variant is classified as likely pathogenic for autosomal dominant intellectual developmental disorder 23. Inheritance from an unaffected or mildly affected parent has been reported, consistent with incomplete penetrance and variable expressivity (PMID:29484850, 27375234).

Literature cited by the submitters: PubMed 24768552; PubMed 22903836; PubMed 29484850; PubMed 27375234.

NM_001080517.3(SETD5):c.2161_2162dup (p.Pro722fs)

Gene: SETD5 (SET domain containing 5; plus strand). Cytogenetic location: 3p25.3.
Variant type: Duplication.
Coding change: c.2161_2162dup on transcript NM_001080517.3 (MANE Select); coding-DNA positions 2161 to 2162, 2 bases duplicated (TG; older notation c.2161_2162dupTG).
Protein change: p.Pro722fs; shifts the reading frame from proline 722.
Molecular consequence: frameshift variant.
Genome position (GRCh38, 1-based): chr3:9,448,445-9,448,446, TG duplicated; duplicating any 2 consecutive bases within chr3:9,448,444-9,448,446 gives the same sequence; the c. name uses the placement nearest the transcript's 3' end. VCF-style (leftmost placement, unchanged base first): chr3-9448443-A-AGT. GRCh37 (hg19) VCF-style: chr3-9490127-A-AGT.
Other names: c.1867_1868dup, p.Pro624fs (NM_001292043.2, NM_001349451.2); c.2257_2258dup, p.Pro754fs (NM_001437633.1); c.2218_2219dup, p.Pro741fs (NM_001437635.1); c.2161_2162dup, p.Pro722fs (NM_001437643.1); c.2200_2201dup, p.Pro735fs (NM_001437701.1); short protein forms P624fs, P722fs, P735fs, P741fs, P754fs.
Identifiers: ClinVar variation 4852239 (VCV004852239.1).